The following is an entry in ClinVar:

NM_025132.4(WDR19):c.2828A>C (p.Asn943Thr)

Gene: WDR19 (WD repeat domain 19; plus strand). Cytogenetic location: 4p14.
Variant type: single nucleotide variant.
Coding change: c.2828A>C on transcript NM_025132.4 (MANE Select); coding-DNA position 2828, A replaced by C.
Protein change: p.Asn943Thr; replaces asparagine 943 with threonine.
Molecular consequence: missense variant.
Genome position (GRCh38, 1-based): chr4:39,253,244, A>C. VCF-style: chr4-39253244-A-C. GRCh37 (hg19) VCF-style: chr4-39254864-A-C.
Other names: c.2348A>C, p.Asn783Thr (NM_001317924.2); short protein forms N943T, N783T.
Identifiers: ClinVar variation 1449591 (VCV001449591.3), dbSNP rs778487491, ClinGen allele CA356641486.

ClinVar aggregate classification (germline): Uncertain significance (1 of 4 stars; one submission).

Conditions:
Asphyxiating thoracic dystrophy 5 (SRTD5). Also called: SHORT-RIB THORACIC DYSPLASIA 5 WITH OR WITHOUT POLYDACTYLY; SHORT-RIB THORACIC DYSPLASIA 5 WITHOUT POLYDACTYLY. Identifiers: Orphanet 474, MedGen C3280598, MONDO:0013717, OMIM 614376.
Senior-Loken syndrome 8 (SLSN8). Identifiers: Orphanet 3156, MedGen C4225376, MONDO:0014579, OMIM 616307.

gnomAD v4.1: 5 of 1,613,608 alleles (0.00031%); highest among the groups gnomAD compares: Non-Finnish European, 0.00017%; no homozygotes.

Submission:

Labcorp Genetics (formerly Invitae), Labcorp
Classification: Uncertain significance for Senior-Loken syndrome 8; Asphyxiating thoracic dystrophy 5. Last evaluated: 2021-12-29. Review status: criteria provided, single submitter. Criteria: Invitae Variant Classification Sherloc (09022015). Collection method: clinical testing. Allele origin: germline.
Comment: This sequence change replaces asparagine, which is neutral and polar, with threonine, which is neutral and polar, at codon 943 of the WDR19 protein (p.Asn943Thr). This variant is present in population databases (no rsID available, gnomAD 0.009%). This variant has not been reported in the literature in individuals affected with WDR19-related conditions. Algorithms developed to predict the effect of missense changes on protein structure and function (SIFT, PolyPhen-2, Align-GVGD) all suggest that this variant is likely to be tolerated. In summary, the available evidence is currently insufficient to determine the role of this variant in disease. Therefore, it has been classified as a Variant of Uncertain Significance.